The following is an entry in ClinVar:

NM_182925.5(FLT4):c.1879G>A (p.Val627Met)

Gene: FLT4 (fms related receptor tyrosine kinase 4; minus strand). Cytogenetic location: 5q35.3.
Variant type: single nucleotide variant.
Coding change: c.1879G>A on transcript NM_182925.5 (MANE Select); coding-DNA position 1879, G replaced by A.
Protein change: p.Val627Met; replaces valine 627 with methionine.
Molecular consequence: missense variant.
Genome position (GRCh38, 1-based): chr5:180,621,683, C>T on the plus strand (G>A on the coding strand, the complement: FLT4 is on the minus strand). VCF-style: chr5-180621683-C-T. GRCh37 (hg19) VCF-style: chr5-180048683-C-T.
Other names: c.1879G>A, p.Val627Met (NM_001354989.2, NM_002020.5); short protein forms V627M.
Identifiers: ClinVar variation 2636353 (VCV002636353.1), dbSNP rs898254186, ClinGen allele CA133215260.

ClinVar aggregate classification (germline): Uncertain significance (1 of 4 stars; one submission).

Conditions:
FLT4-related disorder. Also called: FLT4-related condition.

Allele frequency attached by ClinVar (database versions not stated): gnomAD exomes below 0.00001; TOPMed below 0.00001.
gnomAD v4.1: 4 of 1,611,716 alleles (0.00025%); highest among the groups gnomAD compares: Non-Finnish European, 0.00034%; no homozygotes.

Submission:

PreventionGenetics, part of Exact Sciences
Classification: Uncertain significance for FLT4-related condition. Last evaluated: 2022-09-04. Review status: criteria provided, single submitter. Criteria: ACMG Guidelines, 2015. Collection method: clinical testing. Allele origin: germline.
Comment: The FLT4 c.1879G>A variant is predicted to result in the amino acid substitution p.Val627Met. To our knowledge, this variant has not been reported in the literature or in a large population database, indicating this variant is rare. At this time, the clinical significance of this variant is uncertain due to the absence of conclusive functional and genetic evidence.